The following is an entry in ClinVar:

NM_001018005.2(TPM1):c.196G>C (p.Asp66His)

Gene: TPM1 (tropomyosin 1; plus strand). Cytogenetic location: 15q22.2.
Variant type: single nucleotide variant.
Coding change: c.196G>C on transcript NM_001018005.2 (MANE Select); coding-DNA position 196, G replaced by C.
Protein change: p.Asp66His; replaces aspartic acid 66 with histidine.
Molecular consequence: missense variant. On other transcripts: intron variant (3).
Genome position (GRCh38, 1-based): chr15:63,044,108, G>C. VCF-style: chr15-63044108-G-C. GRCh37 (hg19) VCF-style: chr15-63336307-G-C.
Other names: c.196G>C, p.Asp66His (NM_000366.6, NM_001018004.2, NM_001018006.2 and 3 more transcripts); c.322G>C, p.Asp108His (NM_001365778.1); c.240+277G>C (NM_001018020.2, NM_001018007.2, NM_001301244.2); short protein forms D108H, D66H.
Identifiers: ClinVar variation 956455 (VCV000956455.15), dbSNP rs2031866819, ClinGen allele CA392718653.
Genomic context (GRCh38, chr15:63,044,108, plus strand): 5'-CTGCAAAAGAAACTCAAGGGCACCGAAGATGAACTGGACAAATACTCTGAGGCTCTCAAA[G>C]ATGCCCAGGAGAAGCTGGAGCTGGCAGAGAAAAAGGCCACCGATGTAAGTGCACGCTCAC-3'
Protein context (NP_001018005.1, residues 56-76): ELDKYSEALK[Asp66His]AQEKLELAEK

ClinVar aggregate classification (germline): Uncertain significance. Review status: criteria provided, multiple submitters, no conflicts (2 of 4 stars). 4 submissions from 4 submitters: Uncertain significance (4). Last evaluated 2025-11-05.

Conditions:
Cardiomyopathy (CMYO). Also called: Cardiomyopathies. Identifiers: Orphanet 167848, MedGen C0878544, MONDO:0004994, HP:0001638. Inheritance: Various modes of inheritance.
Hypertrophic cardiomyopathy. Also called: HYPERTROPHIC MYOCARDIOPATHY. Identifiers: Orphanet 217569, MedGen C0007194, MeSH D002312, MONDO:0005045, HP:0001639.
Cardiovascular phenotype. Identifiers: MedGen CN230736.

Allele frequency attached by ClinVar (database versions not stated): gnomAD exomes below 0.00001.
gnomAD v4.1: 1 of 1,614,214 alleles (0.000062%); highest among the groups gnomAD compares: Non-Finnish European, 0.000085%; no homozygotes.

Submissions (4):

Labcorp Genetics (formerly Invitae), Labcorp
Classification: Uncertain significance for Hypertrophic cardiomyopathy. Last evaluated: 2025-11-05. Review status: criteria provided, single submitter. Criteria: Invitae Variant Classification Sherloc (09022015). Collection method: clinical testing. Allele origin: germline.
Comment: This sequence change replaces aspartic acid, which is acidic and polar, with histidine, which is basic and polar, at codon 66 of the TPM1 protein (p.Asp66His). This variant is not present in population databases (gnomAD no frequency). This variant has not been reported in the literature in individuals affected with TPM1-related conditions. ClinVar contains an entry for this variant (Variation ID: 956455). An algorithm developed to predict the effect of missense changes on protein structure and function (PolyPhen-2) suggests that this variant is likely to be disruptive. In summary, the available evidence is currently insufficient to determine the role of this variant in disease. Therefore, it has been classified as a Variant of Uncertain Significance.

Ambry Genetics
Classification: Uncertain significance for Cardiovascular phenotype. Last evaluated: 2025-04-12. Review status: criteria provided, single submitter. Criteria: Ambry Variant Classification Scheme 2023. Collection method: clinical testing. Allele origin: germline.
Comment: The p.D66H variant (also known as c.196G>C), located in coding exon 2 of the TPM1 gene, results from a G to C substitution at nucleotide position 196. The aspartic acid at codon 66 is replaced by histidine, an amino acid with similar properties. This amino acid position is highly conserved in available vertebrate species. In addition, this alteration is predicted to be deleterious by in silico analysis. Since supporting evidence is limited at this time, the clinical significance of this alteration remains unclear.

CHEO Genetics Diagnostic Laboratory, Children's Hospital of Eastern Ontario
Classification: Uncertain significance for Cardiomyopathy. Last evaluated: 2022-03-16. Review status: criteria provided, single submitter. Criteria: ACMG Guidelines, 2015. Collection method: clinical testing. Allele origin: germline.

Color Diagnostics, LLC DBA Color Health
Classification: Uncertain significance for Cardiomyopathy. Last evaluated: 2021-10-12. Review status: criteria provided, single submitter. Criteria: ACMG Guidelines, 2015. Collection method: clinical testing. Allele origin: germline.
Comment: This missense variant replaces aspartic acid with histidine at codon 66 of the TPM1 protein. Computational prediction suggests that this variant may have deleterious impact on protein structure and function (internally defined REVEL score threshold >= 0.7, PMID: 27666373). To our knowledge, functional studies have not been reported for this variant. This variant has not been reported in individuals affected with cardiovascular disorders in the literature. This variant has not been identified in the general population by the Genome Aggregation Database (gnomAD). The available evidence is insufficient to determine the role of this variant in disease conclusively. Therefore, this variant is classified as a Variant of Uncertain Significance.